The following is an entry in ClinVar:

NM_000975.5(RPL11):c.269G>A (p.Arg90Gln)

Gene: RPL11 (ribosomal protein L11; plus strand). Cytogenetic location: 1p36.11.
Variant type: single nucleotide variant.
Coding change: c.269G>A on transcript NM_000975.5 (MANE Select); coding-DNA position 269, G replaced by A.
Protein change: p.Arg90Gln; replaces arginine 90 with glutamine.
Molecular consequence: missense variant.
Genome position (GRCh38, 1-based): chr1:23,694,664, G>A. VCF-style: chr1-23694664-G-A. GRCh37 (hg19) VCF-style: chr1-24021154-G-A.
Other names: c.266G>A, p.Arg89Gln (NM_001199802.1); short protein forms R89Q, R90Q.
Identifiers: ClinVar variation 839113 (VCV000839113.11), dbSNP rs757131066, ClinGen allele CA684253.

ClinVar aggregate classification (germline): Uncertain significance (1 of 4 stars; one submission).

Conditions:
Diamond-Blackfan anemia. Also called: Blackfan Diamond syndrome; Aregenerative anemia chronic congenital; Red cell aplasia, pure hereditary; Congenital hypoplastic anemia; Aase syndrome. Identifiers: Orphanet 124, MedGen C1260899, MeSH D029503, MONDO:0015253, HP:0004810.

Allele frequency attached by ClinVar (database versions not stated): gnomAD exomes below 0.00001; ExAC 0.00001.

Submissions (2):

Labcorp Genetics (formerly Invitae), Labcorp
Classification: Uncertain significance for Diamond-Blackfan anemia. Last evaluated: 2025-07-13. Review status: criteria provided, single submitter. Criteria: Invitae Variant Classification Sherloc (09022015). Collection method: clinical testing. Allele origin: germline.
Comment: This sequence change replaces arginine, which is basic and polar, with glutamine, which is neutral and polar, at codon 90 of the RPL11 protein (p.Arg90Gln). This variant is present in population databases (rs757131066, gnomAD no frequency). This variant has not been reported in the literature in individuals affected with RPL11-related conditions. ClinVar contains an entry for this variant (Variation ID: 839113). An algorithm developed to predict the effect of missense changes on protein structure and function (PolyPhen-2) suggests that this variant is likely to be tolerated. In summary, the available evidence is currently insufficient to determine the role of this variant in disease. Therefore, it has been classified as a Variant of Uncertain Significance.

Dr. Peter K. Rogan Lab, Western University
No classification provided (evidence only). Condition: Thyroid cancer, nonmedullary, 1. Review status: no classification provided. Collection method: in vitro. Allele origin: not applicable. Functional consequence: retained intron. Not counted in ClinVar's aggregate classification.